The following is an entry in ClinVar:

ClinVar aggregate classification (germline): Uncertain significance (1 of 4 stars; one submission).

Conditions:
Hereditary spastic paraplegia 4. Also called: Spastic paraplegia 4, autosomal dominant; Spastic Paraplegia 4; Familial spastic paraplegia autosomal dominant 2. Identifiers: Orphanet 100985, MedGen C1866855, MONDO:0008438, OMIM 182601.

Allele frequency attached by ClinVar (database versions not stated): gnomAD exomes below 0.00001.
gnomAD v4.1: 1 of 1,581,966 alleles (0.000063%); highest among the groups gnomAD compares: South Asian, 0.0011%; no homozygotes.

Submission:

Labcorp Genetics (formerly Invitae), Labcorp
Classification: Uncertain significance for Hereditary spastic paraplegia 4. Last evaluated: 2023-12-11. Review status: criteria provided, single submitter. Criteria: Invitae Variant Classification Sherloc (09022015). Collection method: clinical testing. Allele origin: germline.
Comment: This sequence change replaces arginine, which is basic and polar, with glycine, which is neutral and non-polar, at codon 23 of the SPAST protein (p.Arg23Gly). This variant is not present in population databases (gnomAD no frequency). This variant has not been reported in the literature in individuals affected with SPAST-related conditions. ClinVar contains an entry for this variant (Variation ID: 2085843). Advanced modeling of protein sequence and biophysical properties (such as structural, functional, and spatial information, amino acid conservation, physicochemical variation, residue mobility, and thermodynamic stability) performed at Invitae indicates that this missense variant is not expected to disrupt SPAST protein function with a negative predictive value of 95%. In summary, the available evidence is currently insufficient to determine the role of this variant in disease. Therefore, it has been classified as a Variant of Uncertain Significance.

NM_014946.4(SPAST):c.67A>G (p.Arg23Gly)

Gene: SPAST (spastin; plus strand). Cytogenetic location: 2p22.3.
Variant type: single nucleotide variant.
Coding change: c.67A>G on transcript NM_014946.4 (MANE Select); coding-DNA position 67, A replaced by G.
Protein change: p.Arg23Gly; replaces arginine 23 with glycine.
Molecular consequence: missense variant.
Genome position (GRCh38, 1-based): chr2:32,063,898, A>G. VCF-style: chr2-32063898-A-G. GRCh37 (hg19) VCF-style: chr2-32288967-A-G.
Other names: c.67A>G, p.Arg23Gly (NM_001363823.2, NM_001363875.2, NM_001377959.1 and 1 more transcripts); short protein forms R23G.
Identifiers: ClinVar variation 2085843 (VCV002085843.4), dbSNP rs2465679891, ClinGen allele CA346601294.
Genomic context (GRCh38, chr2:32,063,898, plus strand): 5'-TCTCCGGGTGGACGAGGGAAGAAGAAAGGCTCCGGCGGCGCCAGCAACCCGGTGCCTCCC[A>G]GGCCTCCGCCCCCTTGCCTGGCCCCCGCCCCTCCCGCCGCCGGGCCGGCCCCTCCGCCCG-3'
Protein context (NP_055761.2, residues 13-33): SGGASNPVPP[Arg23Gly]PPPPCLAPAP